The following is an entry in ClinVar:

NM_001111.5(ADAR):c.3523A>C (p.Arg1175=)

Gene: ADAR (adenosine deaminase RNA specific; minus strand). Cytogenetic location: 1q21.3.
Variant type: single nucleotide variant.
Coding change: c.3523A>C on transcript NM_001111.5 (MANE Select); coding-DNA position 3523, A replaced by C.
Protein change: p.Arg1175=; no amino-acid change (arginine 1175 retained).
Molecular consequence: synonymous variant.
Genome position (GRCh38, 1-based): chr1:154,584,964, T>G on the plus strand (A>C on the coding strand, the complement: ADAR is on the minus strand). VCF-style: chr1-154584964-T-G. GRCh37 (hg19) VCF-style: chr1-154557440-T-G.
Other names: c.3523A>C, p.Arg1175= (LRG_1212t1); c.2638A>C, p.Arg880= (NM_001025107.3, NM_001193495.2, NM_001365046.1 and 2 more transcripts); c.3550A>C, p.Arg1184= (NM_001365045.1); c.2560A>C, p.Arg854= (NM_001365049.1); c.3445A>C, p.Arg1149= (NM_015840.4); c.3388A>C, p.Arg1130= (NM_015841.4).
Identifiers: ClinVar variation 292758 (VCV000292758.42), dbSNP rs146625055, ClinGen allele CA1130926.

ClinVar aggregate classification (germline): Benign/Likely benign. Review status: criteria provided, multiple submitters, no conflicts (2 of 4 stars). 6 submissions from 6 submitters: Benign (4); Likely benign (2). Last evaluated 2026-01-19.

Conditions:
Symmetrical dyschromatosis of extremities (DSH). Also called: SYMMETRIC DYSCHROMATOSIS OF THE EXTREMITIES; Dyschromatosis symmetrica hereditaria; DYSCHROMATOSIS SYMMETRICA HEREDITARIA 1; RETICULATE ACROPIGMENTATION OF DOHI. Identifiers: Orphanet 41, MedGen C0406775, MONDO:0007483, OMIM 127400.
Aicardi-Goutieres syndrome 6 (AGS6). Identifiers: Orphanet 51, MedGen C3539013, MONDO:0014007, OMIM 615010.

Allele frequency attached by ClinVar (database versions not stated): ESP Exome Variant Server 0.00015; gnomAD 0.00042 and 0.00053; TOPMed 0.00043; ExAC 0.00090; gnomAD exomes 0.00099; 1000 Genomes Project 30x 0.00156; 1000 Genomes Project 0.00180.
gnomAD v4.1: 852 of 1,614,192 alleles (0.053%); highest among the groups gnomAD compares: South Asian, 0.51%; 7 homozygotes.

Submissions (6):

Labcorp Genetics (formerly Invitae), Labcorp
Classification: Benign for Aicardi-Goutieres syndrome 6; Symmetrical dyschromatosis of extremities. Last evaluated: 2026-01-19. Review status: criteria provided, single submitter. Criteria: Invitae Variant Classification Sherloc (09022015). Collection method: clinical testing. Allele origin: germline.

Blueprint Genetics
Classification: Likely benign. Last evaluated: 2024-11-19. Review status: criteria provided, single submitter. Criteria: ACMG Guidelines, 2015. Collection method: clinical testing. Allele origin: germline.

CeGaT Center for Human Genetics Tuebingen
Classification: Likely benign. Last evaluated: 2024-02-01. Review status: criteria provided, single submitter. Criteria: CeGaT Center For Human Genetics Tuebingen Variant Classification Criteria Version 2. Collection method: clinical testing. Allele origin: germline. Affected: yes. Observed: 2 variant alleles.
Comment: ADAR: BS2

Genome-Nilou Lab
Classification: Benign for Aicardi-Goutieres syndrome 6. Last evaluated: 2023-04-11. Review status: criteria provided, single submitter. Criteria: ACMG Guidelines, 2015. Collection method: clinical testing. Allele origin: germline. Affected: no.

Illumina Laboratory Services, Illumina
Classification: Benign for Symmetrical dyschromatosis of extremities. Last evaluated: 2018-01-13. Review status: criteria provided, single submitter. Criteria: ICSL Variant Classification Criteria 13 December 2019. Collection method: clinical testing. Allele origin: germline.
Comment: This variant was observed in the ICSL laboratory as part of a predisposition screen in an ostensibly healthy population. It had not been previously curated by ICSL or reported in the Human Gene Mutation Database (HGMD: prior to June 1st, 2018), and was therefore a candidate for classification through an automated scoring system. Utilizing variant allele frequency, disease prevalence and penetrance estimates, and inheritance mode, an automated score was calculated to assess if this variant is too frequent to cause the disease. Based on the score and internal cut-off values, a variant classified as benign is not then subjected to further curation. The score for this variant resulted in a classification of benign for this disease.

Breakthrough Genomics
Classification: Benign. Review status: criteria provided, single submitter. Criteria: ACMG Guidelines, 2015. Collection method: not provided. Allele origin: germline. Inheritance: Autosomal recessive inheritance. Affected: yes.